The following is an entry in ClinVar:

ClinVar aggregate classification (germline): Uncertain significance (1 of 4 stars; one submission).

Conditions:
Autosomal recessive limb-girdle muscular dystrophy type R18 (LGMDR18). Also called: Autosomal recessive limb-girdle muscular dystrophy type 2S; MUSCULAR DYSTROPHY, LIMB-GIRDLE, AUTOSOMAL RECESSIVE 18; Limb-girdle muscular dystrophy, type 2S. Identifiers: Orphanet 369840, MedGen C4517996, MONDO:0014144, OMIM 615356.

Allele frequency attached by ClinVar (database versions not stated): gnomAD exomes below 0.00001; TOPMed below 0.00001.
gnomAD v4.1: 3 of 1,613,782 alleles (0.00019%); highest among the groups gnomAD compares: Non-Finnish European, 0.00017%; no homozygotes.

Submission:

Labcorp Genetics (formerly Invitae), Labcorp
Classification: Uncertain significance for Autosomal recessive limb-girdle muscular dystrophy type R18. Last evaluated: 2025-10-02. Review status: criteria provided, single submitter. Criteria: Invitae Variant Classification Sherloc (09022015). Collection method: clinical testing. Allele origin: germline.
Comment: This sequence change replaces serine, which is neutral and polar, with tyrosine, which is neutral and polar, at codon 171 of the TRAPPC11 protein (p.Ser171Tyr). This variant is not present in population databases (gnomAD no frequency). This variant has not been reported in the literature in individuals affected with TRAPPC11-related conditions. ClinVar contains an entry for this variant (Variation ID: 851367). Invitae Evidence Modeling of protein sequence and biophysical properties (such as structural, functional, and spatial information, amino acid conservation, physicochemical variation, residue mobility, and thermodynamic stability) indicates that this missense variant is expected to disrupt TRAPPC11 protein function with a positive predictive value of 80%. In summary, the available evidence is currently insufficient to determine the role of this variant in disease. Therefore, it has been classified as a Variant of Uncertain Significance.

NM_021942.6(TRAPPC11):c.512C>A (p.Ser171Tyr)

Gene: TRAPPC11 (trafficking protein particle complex subunit 11; plus strand). Cytogenetic location: 4q35.1.
Variant type: single nucleotide variant.
Coding change: c.512C>A on transcript NM_021942.6 (MANE Select); coding-DNA position 512, C replaced by A.
Protein change: p.Ser171Tyr; replaces serine 171 with tyrosine.
Molecular consequence: missense variant.
Genome position (GRCh38, 1-based): chr4:183,668,069, C>A. VCF-style: chr4-183668069-C-A. GRCh37 (hg19) VCF-style: chr4-184589222-C-A.
Other names: c.512C>A, p.Ser171Tyr (NM_199053.3); short protein forms S171Y.
Identifiers: ClinVar variation 851367 (VCV000851367.10), dbSNP rs1328868472, ClinGen allele CA358859613.